The following is an entry in ClinVar:

NM_017541.4(CRYGS):c.116C>G (p.Ser39Cys)

Gene: CRYGS (crystallin gamma S; minus strand). Cytogenetic location: 3q27.3.
Variant type: single nucleotide variant.
Coding change: c.116C>G on transcript NM_017541.4 (MANE Select); coding-DNA position 116, C replaced by G.
Protein change: p.Ser39Cys; replaces serine 39 with cysteine.
Molecular consequence: missense variant.
Genome position (GRCh38, 1-based): chr3:186,539,503, G>C on the plus strand (C>G on the coding strand, the complement: CRYGS is on the minus strand). VCF-style: chr3-186539503-G-C. GRCh37 (hg19) VCF-style: chr3-186257292-G-C.
Other names: short protein forms S39C.
Identifiers: ClinVar variation 617600 (VCV000617600.3), dbSNP rs1184398243, ClinGen allele CA355704534.
Genomic context (GRCh38, chr3:186,539,503, plus strand): 5'-ATGTACCCAGCAAAGTTGGGCCTTTCATAAACAGCCCAGGTGCCTCCTTCCACTTTAATG[G>C]AGTTGCAGCGACTTAGGTATGTGTGGAAATCTGCACAGTCGCAATCACAGTCATAGCGAC-3'
Protein context (NP_060011.1, residues 29-49): DFHTYLSRCN[Ser39Cys]IKVEGGTWAV

ClinVar aggregate classification (germline): Likely pathogenic. Review status: criteria provided, single submitter (1 of 4 stars). 2 submissions from 2 submitters: Likely pathogenic (1). 1 of the submissions does not count toward it. Last evaluated 2024-09-28.

Conditions:
Cataract 20 multiple types (CTRCT20). Also called: Membranous cataract. Identifiers: Orphanet 91492, MedGen C0524524, MONDO:0007284, OMIM 116100, HP:0010922.

Allele frequency attached by ClinVar (database versions not stated): gnomAD exomes below 0.00001.
gnomAD v4.1: 1 of 1,613,920 alleles (0.000062%); highest among the groups gnomAD compares: South Asian, 0.0011%; no homozygotes.

Submissions (2):

Labcorp Genetics (formerly Invitae), Labcorp
Classification: Likely pathogenic for Cataract 20 multiple types. Last evaluated: 2024-09-28. Review status: criteria provided, single submitter. Criteria: Invitae Variant Classification Sherloc (09022015). Collection method: clinical testing. Allele origin: germline.
Comment: This sequence change replaces serine, which is neutral and polar, with cysteine, which is neutral and slightly polar, at codon 39 of the CRYGS protein (p.Ser39Cys). This variant is present in population databases (no rsID available, gnomAD 0.003%). This missense change has been observed in individuals with congenital cataracts (PMID: 18587492; internal data). It has also been observed to segregate with disease in related individuals. ClinVar contains an entry for this variant (Variation ID: 617600). An algorithm developed to predict the effect of missense changes on protein structure and function (PolyPhen-2) suggests that this variant is likely to be disruptive. Experimental studies have shown that this missense change affects CRYGS function (PMID: 32234236, 33004175). In summary, the currently available evidence indicates that the variant is pathogenic, but additional data are needed to prove that conclusively. Therefore, this variant has been classified as Likely Pathogenic.

OMIM
Classification: Pathogenic for CATARACT 20, MULTIPLE TYPES. Last evaluated: 2019-01-31. Review status: no assertion criteria provided. Collection method: literature only. Allele origin: germline. Not counted in ClinVar's aggregate classification.

Literature cited by the submitters: PubMed 18587492 (cited by Labcorp Genetics (formerly Invitae), Labcorp and OMIM); PubMed 32234236 (cited by Labcorp Genetics (formerly Invitae), Labcorp); PubMed 33004175 (cited by Labcorp Genetics (formerly Invitae), Labcorp).